The following is an entry in ClinVar:

NM_016955.4(SEPSECS):c.1400_1401del (p.Lys467fs)

Gene: SEPSECS (Sep (O-phosphoserine) tRNA:Sec (selenocysteine) tRNA synthase; minus strand). Cytogenetic location: 4p15.2.
Variant type: Deletion.
Coding change: c.1400_1401del on transcript NM_016955.4 (MANE Select); coding-DNA positions 1400 to 1401, 2 bases deleted (AA; older notation c.1400_1401delAA).
Protein change: p.Lys467fs; shifts the reading frame from lysine 467.
Molecular consequence: frameshift variant.
Genome position (GRCh38, 1-based): chr4:25,124,036-25,124,037, TT deleted on the plus strand (AA on the coding strand, the reverse complement: SEPSECS is on the minus strand); deleting any 2 consecutive bases within chr4:25,124,036-25,124,038 gives the same sequence; the c. name uses the placement nearest the transcript's 3' end. VCF-style (leftmost placement, unchanged base first): chr4-25124035-CTT-C. GRCh37 (hg19) VCF-style: chr4-25125657-CTT-C.
Other names: c.1655_1656del, p.Lys552fs (NM_001410714.1); c.1399_1400delAA, p.Lys467Argfs (NM_153825.2); short protein forms K467fs, K552fs.
Identifiers: ClinVar variation 2858955 (VCV002858955.3), dbSNP rs2474624385, ClinGen allele CA2739270033.

ClinVar aggregate classification (germline): Pathogenic (1 of 4 stars; one submission).

Submission:

Labcorp Genetics (formerly Invitae), Labcorp
Classification: Pathogenic. Last evaluated: 2023-10-14. Review status: criteria provided, single submitter. Criteria: Invitae Variant Classification Sherloc (09022015). Collection method: clinical testing. Allele origin: germline.
Comment: This sequence change creates a premature translational stop signal (p.Lys467Argfs*3) in the SEPSECS gene. While this is not anticipated to result in nonsense mediated decay, it is expected to disrupt the last 35 amino acid(s) of the SEPSECS protein. This variant is not present in population databases (gnomAD no frequency). This variant has not been reported in the literature in individuals affected with SEPSECS-related conditions. This variant disrupts a region of the SEPSECS protein in which other variant(s) (p.Asp489Val) have been determined to be pathogenic (PMID: 25044680, 31130284). This suggests that this is a clinically significant region of the protein, and that variants that disrupt it are likely to be disease-causing. For these reasons, this variant has been classified as Pathogenic.

Literature cited by the submitters: PubMed 25044680; PubMed 31130284.